The following is an entry in ClinVar:

ClinVar aggregate classification (germline): Uncertain significance (1 of 4 stars; one submission).

Conditions:
Myopathy, proximal, and ophthalmoplegia (CMYO6). Also called: CONGENITAL MYOPATHY 6 WITH OPHTHALMOPLEGIA; MYOPATHY WITH CONGENITAL JOINT CONTRACTURES, OPHTHALMOPLEGIA, AND RIMMED VACUOLES; INCLUSION BODY MYOPATHY 3, AUTOSOMAL DOMINANT. Identifiers: Orphanet 363677, Orphanet 79091, MedGen C1854106, MONDO:0011577, OMIM 605637.

Allele frequency attached by ClinVar (database versions not stated): gnomAD exomes below 0.00001; TOPMed below 0.00001; ExAC 0.00001; gnomAD 0.00001.
gnomAD v4.1: 1 of 1,614,054 alleles (0.000062%); highest among the groups gnomAD compares: East Asian, 0.0022%; no homozygotes.

Submission:

Labcorp Genetics (formerly Invitae), Labcorp
Classification: Uncertain significance for Myopathy, proximal, and ophthalmoplegia. Last evaluated: 2021-04-23. Review status: criteria provided, single submitter. Criteria: Invitae Variant Classification Sherloc (09022015). Collection method: clinical testing. Allele origin: germline.
Comment: In summary, the available evidence is currently insufficient to determine the role of this variant in disease. Therefore, it has been classified as a Variant of Uncertain Significance. Algorithms developed to predict the effect of missense changes on protein structure and function are either unavailable or do not agree on the potential impact of this missense change (SIFT: "Deleterious"; PolyPhen-2: "Benign"; Align-GVGD: "Class C65"). This variant has not been reported in the literature in individuals with MYH2-related conditions. This variant is present in population databases (rs766227489, ExAC 0.01%). This sequence change replaces phenylalanine with serine at codon 1314 of the MYH2 protein (p.Phe1314Ser). The phenylalanine residue is highly conserved and there is a large physicochemical difference between phenylalanine and serine.

NM_017534.6(MYH2):c.3941T>C (p.Phe1314Ser)

Genes: MYH2 (myosin heavy chain 2; minus strand), MYHAS (myosin heavy chain gene cluster antisense RNA; plus strand). Cytogenetic location: 17p13.1.
Variant type: single nucleotide variant.
Coding change: c.3941T>C on transcript NM_017534.6 (MANE Select); coding-DNA position 3941, T replaced by C.
Protein change: p.Phe1314Ser; replaces phenylalanine 1314 with serine.
Molecular consequence: missense variant.
Genome position (GRCh38, 1-based): chr17:10,526,987, A>G on the plus strand (T>C on the coding strand, the complement: MYH2 is on the minus strand). VCF-style: chr17-10526987-A-G. GRCh37 (hg19) VCF-style: chr17-10430304-A-G.
Other names: c.3941T>C, p.Phe1314Ser (NM_001100112.2); short protein forms F1314S.
Identifiers: ClinVar variation 1416757 (VCV001416757.8), dbSNP rs766227489, ClinGen allele CA8390771.